The following is an entry in ClinVar:

NM_182493.3(MYLK3):c.1610C>T (p.Thr537Ile)

Gene: MYLK3 (myosin light chain kinase 3; minus strand). Cytogenetic location: 16q11.2.
Variant type: single nucleotide variant.
Coding change: c.1610C>T on transcript NM_182493.3 (MANE Select); coding-DNA position 1610, C replaced by T.
Protein change: p.Thr537Ile; replaces threonine 537 with isoleucine.
Molecular consequence: missense variant.
Genome position (GRCh38, 1-based): chr16:46,729,646, G>A on the plus strand (C>T on the coding strand, the complement: MYLK3 is on the minus strand). VCF-style: chr16-46729646-G-A. GRCh37 (hg19) VCF-style: chr16-46763558-G-A.
Other names: c.587C>T, p.Thr196Ile (NM_001308301.1); c.1610C>T (NM_182493.2); short protein forms T537I, T196I.
Identifiers: ClinVar variation 1432541 (VCV001432541.8), dbSNP rs374127974, ClinGen allele CA8037904.
Genomic context (GRCh38, chr16:46,729,646, plus strand): 5'-TGCCTCACCCGGTCCTTGGCGCTCTTCACTTTGATGATCTTGGCAGCCAGTGGGAGGCCT[G>A]TGGACTTCTCTGTGCACCTGTGGACCTGGCCAAACCGACCCCTGCAGAGACATAGCCACA-3'
Protein context (NP_872299.2, residues 527-547): GQVHRCTEKS[Thr537Ile]GLPLAAKIIK

ClinVar aggregate classification (germline): Conflicting classifications of pathogenicity. Review status: criteria provided, conflicting classifications (1 of 4 stars). 3 submissions from 3 submitters: Uncertain significance (2); Likely benign (1). Last evaluated 2025-11-17.

Allele frequency attached by ClinVar (database versions not stated): gnomAD 0.00004 and 0.00005; TOPMed 0.00005; gnomAD exomes 0.00007 and 0.00009; ESP Exome Variant Server 0.00008; ExAC 0.00009.
gnomAD v4.1: 113 of 1,613,624 alleles (0.007%); highest among the groups gnomAD compares: Non-Finnish European, 0.0062%; no homozygotes.

Submissions (3):

Labcorp Genetics (formerly Invitae), Labcorp
Classification: Uncertain significance. Last evaluated: 2025-11-17. Review status: criteria provided, single submitter. Criteria: Invitae Variant Classification Sherloc (09022015). Collection method: clinical testing. Allele origin: germline.
Comment: This sequence change replaces threonine, which is neutral and polar, with isoleucine, which is neutral and non-polar, at codon 537 of the MYLK3 protein (p.Thr537Ile). This variant is present in population databases (rs374127974, gnomAD 0.03%). This variant has not been reported in the literature in individuals affected with MYLK3-related conditions. ClinVar contains an entry for this variant (Variation ID: 1432541). An algorithm developed to predict the effect of missense changes on protein structure and function (PolyPhen-2) suggests that this variant is likely to be disruptive. In summary, the available evidence is currently insufficient to determine the role of this variant in disease. Therefore, it has been classified as a Variant of Uncertain Significance.

Laboratory of Genetics, Children's Clinical University Hospital Latvia
Classification: Likely benign. Last evaluated: 2025-02-16. Review status: criteria provided, single submitter. Criteria: ACMG Guidelines, 2015. Collection method: clinical testing. Allele origin: germline. Affected: yes.

Ambry Genetics
Classification: Uncertain significance. Last evaluated: 2024-01-03. Review status: criteria provided, single submitter. Criteria: Ambry Variant Classification Scheme 2023. Collection method: clinical testing. Allele origin: germline.